The following is an entry in ClinVar:

NM_001378477.3(NYX):c.34G>C (p.Gly12Arg)

Gene: NYX (nyctalopin; plus strand). Cytogenetic location: Xp11.4.
Variant type: single nucleotide variant.
Coding change: c.34G>C on transcript NM_001378477.3 (MANE Select); coding-DNA position 34, G replaced by C.
Protein change: p.Gly12Arg; replaces glycine 12 with arginine.
Molecular consequence: missense variant.
Genome position (GRCh38, 1-based): chrX:41,473,502, G>C. VCF-style: chrX-41473502-G-C. GRCh37 (hg19) VCF-style: chrX-41332755-G-C.
Other names: c.34G>C, p.Gly12Arg (NM_022567.3); short protein forms G12R.
Identifiers: ClinVar variation 1513523 (VCV001513523.6), dbSNP rs769075010, ClinGen allele CA412989184.
Genomic context (GRCh38, chrX:41,473,502, plus strand): 5'-TTTTCTCTTTTCTCCTCCTTCCCGACTCCCCACCACCCTGTCCCCGCAGCGGTGGTCCTC[G>C]GCCTGCCCAGCGCCTGGGCCGTGGGGGCCTGCGCCCGCGCTTGTCCCGCCGCCTGCGCCT-3'
Protein context (NP_001365406.2, residues 2-22): LVLLLHAVVL[Gly12Arg]LPSAWAVGAC

ClinVar aggregate classification (germline): Uncertain significance (1 of 4 stars; one submission).

Allele frequency attached by ClinVar (database versions not stated): TOPMed below 0.00001.
gnomAD v4.1: 1 of 982,004 alleles (0.0001%); highest among the groups gnomAD compares: Non-Finnish European, 0.00013%; no homozygotes.

Submission:

Labcorp Genetics (formerly Invitae), Labcorp
Classification: Uncertain significance. Last evaluated: 2022-05-29. Review status: criteria provided, single submitter. Criteria: Invitae Variant Classification Sherloc (09022015). Collection method: clinical testing. Allele origin: germline.
Comment: ClinVar contains an entry for this variant (Variation ID: 1513523). Algorithms developed to predict the effect of missense changes on protein structure and function (SIFT, PolyPhen-2, Align-GVGD) all suggest that this variant is likely to be tolerated. This variant has not been reported in the literature in individuals affected with NYX-related conditions. The frequency data for this variant in the population databases is considered unreliable, as metrics indicate insufficient coverage at this position in the gnomAD database. In summary, the available evidence is currently insufficient to determine the role of this variant in disease. Therefore, it has been classified as a Variant of Uncertain Significance. This sequence change replaces glycine, which is neutral and non-polar, with arginine, which is basic and polar, at codon 17 of the NYX protein (p.Gly17Arg).